The following is an entry in ClinVar:

NM_000179.3(MSH6):c.4081T>G (p.Ter1361Glu)

Gene: MSH6 (mutS homolog 6; plus strand). Cytogenetic location: 2p16.3.
Variant type: single nucleotide variant.
Coding change: c.4081T>G on transcript NM_000179.3 (MANE Select); coding-DNA position 4081, T replaced by G.
Protein change: p.Ter1361Glu.
Molecular consequence: stop lost.
Genome position (GRCh38, 1-based): chr2:47,806,858, T>G. VCF-style: chr2-47806858-T-G. GRCh37 (hg19) VCF-style: chr2-48033997-T-G.
Other names: c.3691T>G, p.Ter1231Glu (NM_001281492.2); c.3175T>G, p.Ter1059Glu (NM_001281493.2, NM_001281494.2, NM_001406811.1 and 6 more transcripts); c.4177T>G, p.Ter1393Glu (NM_001406795.1); c.4081T>G, p.Ter1361Glu (NM_001406796.1, NM_001406809.1); c.3784T>G, p.Ter1262Glu (NM_001406797.1, NM_001406805.1, NM_001406818.1 and 8 more transcripts); c.3907T>G, p.Ter1303Glu (NM_001406798.1); c.3556T>G, p.Ter1186Glu (NM_001406799.1, NM_001406806.1, NM_001406807.1); c.*102T>G (NM_001406800.1); and 9 more.
Identifiers: ClinVar variation 1737641 (VCV001737641.2), dbSNP rs765098678, ClinGen allele CA346761777.

ClinVar aggregate classification (germline): Uncertain significance (1 of 4 stars; one submission).

Conditions:
Hereditary cancer-predisposing syndrome. Also called: Neoplastic Syndromes, Hereditary; Tumor predisposition; Hereditary Cancer Syndrome; Hereditary neoplastic syndrome. Identifiers: Orphanet 140162, MedGen C0027672, MeSH D009386, MONDO:0015356.

Submission:

Ambry Genetics
Classification: Uncertain significance for Hereditary cancer-predisposing syndrome. Last evaluated: 2021-06-02. Review status: criteria provided, single submitter. Criteria: Ambry Variant Classification Scheme 2023. Collection method: clinical testing. Allele origin: germline.
Comment: The p.*1361Eext*29 variant (also known as c.4081T>G), located in coding exon 10 of the MSH6 gene, results from a T to G substitution at nucleotide position 4081, which is the last nucleotide of the MSH6 gene. The stop codon at position 1361 is replaced by Glutamic acid, resulting in an elongation of the protein by 29 amino acids. The exact functional impact of these inserted amino acids is unknown at this time. Since supporting evidence is limited at this time, the clinical significance of this alteration remains unclear.